The following is an entry in ClinVar:

ClinVar aggregate classification (germline): Conflicting classifications of pathogenicity. Review status: criteria provided, conflicting classifications (1 of 4 stars). 7 submissions from 7 submitters: Uncertain significance (4); Likely benign (1). 2 of the submissions do not count toward it. Last evaluated 2025-11-17.

Conditions:
Cardiovascular phenotype. Identifiers: MedGen CN230736.
Dilated cardiomyopathy 1JJ (CMD1JJ). Identifiers: Orphanet 154, MedGen C3808935, MONDO:0014095, OMIM 615235.
Cardiomyopathy (CMYO). Also called: Cardiomyopathies. Identifiers: Orphanet 167848, MedGen C0878544, MONDO:0004994, HP:0001638. Inheritance: Various modes of inheritance.

Allele frequency attached by ClinVar (database versions not stated): gnomAD exomes 0.00008 and 0.00006; TOPMed 0.00008; gnomAD 0.00009 and 0.00010; ExAC 0.00004.
gnomAD v4.1: 137 of 1,613,882 alleles (0.0085%); highest among the groups gnomAD compares: Admixed American, 0.017%; no homozygotes.

Submissions (7):

Labcorp Genetics (formerly Invitae), Labcorp
Classification: Uncertain significance for Dilated cardiomyopathy 1JJ. Last evaluated: 2025-11-17. Review status: criteria provided, single submitter. Criteria: Invitae Variant Classification Sherloc (09022015). Collection method: clinical testing. Allele origin: germline.
Comment: This sequence change replaces histidine, which is basic and polar, with aspartic acid, which is acidic and polar, at codon 457 of the LAMA4 protein (p.His457Asp). This variant is present in population databases (rs151119304, gnomAD 0.01%). This variant has not been reported in the literature in individuals affected with LAMA4-related conditions. ClinVar contains an entry for this variant (Variation ID: 44346). Invitae Evidence Modeling of protein sequence and biophysical properties (such as structural, functional, and spatial information, amino acid conservation, physicochemical variation, residue mobility, and thermodynamic stability) indicates that this missense variant is not expected to disrupt LAMA4 protein function with a negative predictive value of 80%. In summary, the available evidence is currently insufficient to determine the role of this variant in disease. Therefore, it has been classified as a Variant of Uncertain Significance.

Ambry Genetics
Classification: Likely benign for Cardiovascular phenotype. Last evaluated: 2024-05-06. Review status: criteria provided, single submitter. Criteria: Ambry Variant Classification Scheme 2023. Collection method: clinical testing. Allele origin: germline.

Fulgent Genetics
Classification: Uncertain significance for Dilated cardiomyopathy 1JJ. Last evaluated: 2021-08-12. Review status: criteria provided, single submitter. Criteria: ACMG Guidelines, 2015. Collection method: clinical testing. Allele origin: unknown.

CHEO Genetics Diagnostic Laboratory, Children's Hospital of Eastern Ontario
Classification: Uncertain significance for Cardiomyopathy. Last evaluated: 2018-09-11. Review status: criteria provided, single submitter. Criteria: ACMG Guidelines, 2015. Collection method: clinical testing. Allele origin: germline.

Laboratory for Molecular Medicine, Mass General Brigham Personalized Medicine
Classification: Uncertain significance. Last evaluated: 2013-01-13. Review status: criteria provided, single submitter. Criteria: LMM Criteria. Collection method: clinical testing. Allele origin: germline. Observed: 2 variant alleles.
Comment: Variant classified as Uncertain Significance - Favor Benign. This variant is listed in dbSNP w ithout frequency information (dbSNP rs151119304) and has not been identified in large and broad European American and African American populations by the NHLBI Exome Sequencing Project, though it may be co mmon in other populations. Histidine (His) at position 457 is not well conserved in evolution, including in mammals, which suggests that a change at this positi on may be tolerated. Other computational analyses (biochemical amino acid proper ties, AlignGVGD, PolyPhen2, and SIFT) also suggest that the variant may not impa ct the protein, though this information is not predictive enough to rule out pat hogenicity. In summary, the available data suggests that this variant is more li kely benign, but additional studies are needed to fully assess the clinical sign ificance of the His457Asp variant.

Clinical Genetics DNA and cytogenetics Diagnostics Lab, Erasmus MC, Erasmus Medical Center
Classification: Likely benign. Review status: no assertion criteria provided. Collection method: clinical testing. Allele origin: germline. Affected: yes. Study: VKGL Data-share Consensus. Not counted in ClinVar's aggregate classification.

Joint Genome Diagnostic Labs from Nijmegen and Maastricht, Radboudumc and MUMC+
Classification: Likely benign. Review status: no assertion criteria provided. Collection method: clinical testing. Allele origin: germline. Affected: yes. Study: VKGL Data-share Consensus. Not counted in ClinVar's aggregate classification.

NM_001105206.3(LAMA4):c.1390C>G (p.His464Asp)

Gene: LAMA4 (laminin subunit alpha 4; minus strand). Cytogenetic location: 6q21.
Variant type: single nucleotide variant.
Coding change: c.1390C>G on transcript NM_001105206.3 (MANE Select); coding-DNA position 1390, C replaced by G.
Protein change: p.His464Asp; replaces histidine 464 with aspartic acid.
Molecular consequence: missense variant.
Genome position (GRCh38, 1-based): chr6:112,172,772, G>C on the plus strand (C>G on the coding strand, the complement: LAMA4 is on the minus strand). VCF-style: chr6-112172772-G-C. GRCh37 (hg19) VCF-style: chr6-112493974-G-C.
Other names: c.1369C>G, p.His457Asp (NM_001105207.3, NM_002290.5); short protein forms H457D, H464D.
Identifiers: ClinVar variation 44346 (VCV000044346.22), dbSNP rs151119304, ClinGen allele CA134008.